The following is an entry in ClinVar:

ClinVar aggregate classification (germline): Uncertain significance (1 of 4 stars; one submission).

gnomAD v4.1: 3 of 1,613,866 alleles (0.00019%); highest among the groups gnomAD compares: African/African-American, 0.0013%; no homozygotes.

Submission:

Ambry Genetics
Classification: Uncertain significance. Last evaluated: 2024-09-15. Review status: criteria provided, single submitter. Criteria: Ambry Variant Classification Scheme 2023. Collection method: clinical testing. Allele origin: germline.
Comment: The p.T670N variant (also known as c.2009C>A), located in coding exon 20 of the NEBL gene, results from a C to A substitution at nucleotide position 2009. The threonine at codon 670 is replaced by asparagine, an amino acid with similar properties. This amino acid position is conserved. In addition, this alteration is predicted to be tolerated by in silico analysis. Based on the available evidence, the clinical significance of this variant remains unclear.

NM_006393.3(NEBL):c.2009C>A (p.Thr670Asn)

Gene: NEBL (nebulette; minus strand). Cytogenetic location: 10p12.31.
Variant type: single nucleotide variant.
Coding change: c.2009C>A on transcript NM_006393.3 (MANE Select); coding-DNA position 2009, C replaced by A.
Protein change: p.Thr670Asn; replaces threonine 670 with asparagine.
Molecular consequence: missense variant. On other transcripts: intron variant (9).
Genome position (GRCh38, 1-based): chr10:20,819,470, G>T on the plus strand (C>A on the coding strand, the complement: NEBL is on the minus strand). VCF-style: chr10-20819470-G-T. GRCh37 (hg19) VCF-style: chr10-21108399-G-T.
Other names: c.250-6530C>A (NM_001377326.1, NM_001377327.1, NM_001377328.1); c.358-6530C>A (NM_213569.2, NM_001173484.2, NM_001377322.1); c.301-6530C>A (NM_001377324.1); c.292-6530C>A (NM_001377325.1); c.310-6530C>A (NM_001377323.1); short protein forms T670N.
Identifiers: ClinVar variation 3404004 (VCV003404004.1).